The following is an entry in ClinVar:

NM_001830.4(CLCN4):c.999C>G (p.Phe333Leu)

Gene: CLCN4 (chloride voltage-gated channel 4; plus strand). Cytogenetic location: Xp22.2.
Variant type: single nucleotide variant.
Coding change: c.999C>G on transcript NM_001830.4 (MANE Select); coding-DNA position 999, C replaced by G.
Protein change: p.Phe333Leu; replaces phenylalanine 333 with leucine.
Molecular consequence: missense variant.
Genome position (GRCh38, 1-based): chrX:10,208,200, C>G. VCF-style: chrX-10208200-C-G. GRCh37 (hg19) VCF-style: chrX-10176240-C-G.
Other names: c.717C>G, p.Phe239Leu (NM_001256944.2); short protein forms F239L, F333L.
Identifiers: ClinVar variation 3372908 (VCV003372908.2).

ClinVar aggregate classification (germline): Uncertain significance (1 of 4 stars; one submission).

Submission:

GeneDx
Classification: Uncertain significance. Last evaluated: 2024-12-19. Review status: criteria provided, single submitter. Criteria: GeneDx Variant Classification Process June 2021. Collection method: clinical testing. Allele origin: germline. Affected: yes.
Comment: Not observed at significant frequency in large population cohorts (gnomAD); In silico analysis indicates that this missense variant does not alter protein structure/function; Has not been previously published as pathogenic or benign to our knowledge